The following is an entry in ClinVar:

ClinVar aggregate classification (germline): Benign/Likely benign. Review status: criteria provided, multiple submitters, no conflicts (2 of 4 stars). 5 submissions from 4 submitters: Benign (4); Likely benign (1). Last evaluated 2021-08-19.

Conditions:
Myofibrillar myopathy 4. Also called: Zaspopathy (type). Identifiers: Orphanet 98912, MedGen C4721886, MONDO:0012277, OMIM 609452.
Dilated cardiomyopathy 1C (CMD1C). Also called: CARDIOMYOPATHY, DILATED, 1C, WITH OR WITHOUT LEFT VENTRICULAR NONCOMPACTION; Cardiomyopathy, dilated, 1C, with or without LVNC. Identifiers: Orphanet 154, Orphanet 54260, MedGen C1832244, MONDO:0011094, OMIM 601493.

Allele frequency attached by ClinVar (database versions not stated): 1000 Genomes Project 30x 0.75328; 1000 Genomes Project 0.75220; TOPMed 0.70908; gnomAD 0.72185.
gnomAD v4.1: 581,974 of 849,512 alleles (69%); highest among the groups gnomAD compares: African/African-American, 82%; 200,676 homozygotes.

Submissions (5):

Genome-Nilou Lab
Classification: Benign for Dilated cardiomyopathy 1C. Last evaluated: 2021-08-19. Review status: criteria provided, single submitter. Criteria: ACMG Guidelines, 2015. Collection method: clinical testing. Allele origin: germline. Affected: no.

Genome-Nilou Lab
Classification: Benign for Myofibrillar myopathy 4. Last evaluated: 2021-08-19. Review status: criteria provided, single submitter. Criteria: ACMG Guidelines, 2015. Collection method: clinical testing. Allele origin: germline. Affected: no.

Illumina Laboratory Services, Illumina
Classification: Benign for Dilated cardiomyopathy 1C. Last evaluated: 2018-01-12. Review status: criteria provided, single submitter. Criteria: ICSL Variant Classification Criteria 13 December 2019. Collection method: clinical testing. Allele origin: germline.
Comment: This variant was observed in the ICSL laboratory as part of a predisposition screen in an ostensibly healthy population. It had not been previously curated by ICSL or reported in the Human Gene Mutation Database (HGMD: prior to June 1st, 2018), and was therefore a candidate for classification through an automated scoring system. Utilizing variant allele frequency, disease prevalence and penetrance estimates, and inheritance mode, an automated score was calculated to assess if this variant is too frequent to cause the disease. Based on the score and internal cut-off values, a variant classified as benign is not then subjected to further curation. The score for this variant resulted in a classification of benign for this disease.

GeneDx
Classification: Benign. Last evaluated: 2011-08-26. Review status: criteria provided, single submitter. Criteria: GeneDx Variant Classification (06012015). Collection method: clinical testing. Allele origin: germline. Affected: yes.
Comment: This variant is considered likely benign or benign based on one or more of the following criteria: it is a conservative change, it occurs at a poorly conserved position in the protein, it is predicted to be benign by multiple in silico algorithms, and/or has population frequency not consistent with disease.

Breakthrough Genomics
Classification: Likely benign. Review status: criteria provided, single submitter. Criteria: ACMG Guidelines, 2015. Collection method: not provided. Allele origin: germline. Inheritance: Autosomal dominant inheritance. Affected: yes.

NM_007078.3(LDB3):c.-24+8T>C

Gene: LDB3 (LIM domain binding 3; plus strand). Cytogenetic location: 10q23.2.
Variant type: single nucleotide variant.
Coding change: c.-24+8T>C on transcript NM_007078.3 (MANE Select); 8 bases into the intron after 24 bases upstream of the start codon, T replaced by C.
Molecular consequence: intron variant. On other transcripts: 5 prime UTR variant (1).
Genome position (GRCh38, 1-based): chr10:86,668,578, T>C. VCF-style: chr10-86668578-T-C. GRCh37 (hg19) VCF-style: chr10-88428335-T-C.
Other names: c.-114T>C (NM_001080116.1); c.-23-91T>C (NM_001368064.1, NM_001368063.1, NM_001368068.1); c.-24+8T>C (NM_001171610.2, NM_001368065.1, NM_001368066.1 and 4 more transcripts).
Identifiers: ClinVar variation 138106 (VCV000138106.9), dbSNP rs2803558, ClinGen allele CA291909.
Genomic context (GRCh38, chr10:86,668,578, plus strand): 5'-GGAGCCTCTCAAGAGCTCCACGCAGCCCGGCTGGGCAGCAAGGGACAGAACAGGCAAGGC[T>C]GGGGGTCAGGGGCAGGGGCAGAGGTGTGGACCGGGCAGGCGGAGTGCCTGAGTGCCCTCT-3'